The following is an entry in ClinVar:

NM_005883.3(APC2):c.5591C>T (p.Pro1864Leu)

Gene: APC2 (APC regulator of Wnt signaling pathway 2; plus strand). Cytogenetic location: 19p13.3.
Variant type: single nucleotide variant.
Coding change: c.5591C>T on transcript NM_005883.3 (MANE Select); coding-DNA position 5591, C replaced by T.
Protein change: p.Pro1864Leu; replaces proline 1864 with leucine.
Molecular consequence: missense variant.
Genome position (GRCh38, 1-based): chr19:1,468,892, C>T. VCF-style: chr19-1468892-C-T. GRCh37 (hg19) VCF-style: chr19-1468891-C-T.
Other names: c.5588C>T, p.Pro1863Leu (NM_001351273.1); short protein forms P1863L, P1864L.
Identifiers: ClinVar variation 2052144 (VCV002052144.7), dbSNP rs768951874, ClinGen allele CA9046065.

ClinVar aggregate classification (germline): Uncertain significance. Review status: criteria provided, multiple submitters, no conflicts (2 of 4 stars). 3 submissions from 3 submitters: Uncertain significance (3). Last evaluated 2024-10-14.

Conditions:
Inborn genetic diseases. Identifiers: MedGen C0950123, MeSH D030342.
Intellectual developmental disorder, autosomal recessive 74 (MRT74). Also called: Sotos syndrome 3. Identifiers: MedGen C4310684, MONDO:0014951, OMIM 617169.

Allele frequency attached by ClinVar (database versions not stated): ExAC 0.00011.

Submissions (3):

Victorian Clinical Genetics Services, Murdoch Childrens Research Institute
Classification: Uncertain significance for Intellectual developmental disorder, autosomal recessive 74. Last evaluated: 2024-10-14. Review status: criteria provided, single submitter. Criteria: ACMG Guidelines, 2015. Collection method: clinical testing. Allele origin: germline. Affected: yes.
Comment: This variant is classified as VUS-3B. Evidence in support of pathogenic classification: Variant is present in gnomAD <0.01 for a recessive condition (v4: 18 heterozygote(s), 0 homozygote(s)). Additional information: Variant is predicted to result in a missense amino acid change from proline to leucine; This variant is heterozygous; This gene is associated with autosomal recessive disease; Multiple alternative amino acid changes at the same position have been observed in gnomAD (v4) (highest allele count: 4 heterozygotes, 0 homozygotes). - No published segregation evidence has been identified for this variant; No published functional evidence has been identified for this variant; No comparable missense variants have previous evidence for pathogenicity; Variant is located in the annotated APC basic domain (DECIPHER); Missense variant with conflicting in silico predictions and uninformative conservation; Loss of function is a known mechanism of disease in this gene and is associated with cortical dysplasia, complex, with other brain malformations 10 (MIM#618677) and intellectual developmental disorder, autosomal recessive 74 (MIM#617169); Variants in this gene are known to have variable expressivity. Intrafamilial variability has been reported (PMID: 31585108); Inheritance information for this variant is not currently available in this individual.

Ambry Genetics
Classification: Uncertain significance for Inborn genetic diseases. Last evaluated: 2022-11-03. Review status: criteria provided, single submitter. Criteria: Ambry Variant Classification Scheme 2023. Collection method: clinical testing. Allele origin: germline.

Labcorp Genetics (formerly Invitae), Labcorp
Classification: Uncertain significance. Last evaluated: 2022-06-30. Review status: criteria provided, single submitter. Criteria: Invitae Variant Classification Sherloc (09022015). Collection method: clinical testing. Allele origin: germline.
Comment: In summary, the available evidence is currently insufficient to determine the role of this variant in disease. Therefore, it has been classified as a Variant of Uncertain Significance. Algorithms developed to predict the effect of missense changes on protein structure and function are either unavailable or do not agree on the potential impact of this missense change (SIFT: "Deleterious"; PolyPhen-2: "Probably Damaging"; Align-GVGD: "Class C0"). This variant has not been reported in the literature in individuals affected with APC2-related conditions. The frequency data for this variant in the population databases is considered unreliable, as metrics indicate poor data quality at this position in the gnomAD database. This sequence change replaces proline, which is neutral and non-polar, with leucine, which is neutral and non-polar, at codon 1864 of the APC2 protein (p.Pro1864Leu).

Literature cited by the submitters: PubMed 31585108 (cited by Victorian Clinical Genetics Services, Murdoch Childrens Research Institute).